The following is an entry in ClinVar:

ClinVar aggregate classification (germline): Pathogenic. Review status: criteria provided, multiple submitters, no conflicts (2 of 4 stars). 4 submissions from 4 submitters: Pathogenic (4). Last evaluated 2025-10-17.

Conditions:
APC-related disorder. Also called: APC-related condition.
Hereditary cancer-predisposing syndrome. Also called: Neoplastic Syndromes, Hereditary; Tumor predisposition; Hereditary Cancer Syndrome; Hereditary neoplastic syndrome. Identifiers: Orphanet 140162, MedGen C0027672, MeSH D009386, MONDO:0015356.
Familial adenomatous polyposis 1 (FAP1). Also called: FAMILIAL ADENOMATOUS POLYPOSIS 1, ATTENUATED; POLYPOSIS, ADENOMATOUS INTESTINAL. Identifiers: MedGen C2713442, MONDO:0021056, OMIM 175100. Disease mechanism: loss of function.

Submissions (4):

Ambry Genetics
Classification: Pathogenic for Hereditary cancer-predisposing syndrome. Last evaluated: 2025-10-17. Review status: criteria provided, single submitter. Criteria: Ambry Variant Classification Scheme 2023. Collection method: clinical testing. Allele origin: germline.
Comment: The p.Q667* pathogenic mutation (also known as c.1999C>T), located in coding exon 15 of the APC gene, results from a C to T substitution at nucleotide position 1999. This changes the amino acid from a glutamine to a stop codon within coding exon 15. This alteration has been observed in at least one individual with a personal and/or family history that is consistent with APC-related disease (Ambry internal data). This alteration occurs at the 3' terminus of theAPC gene, is not expected to trigger nonsense-mediated mRNA decay, and impacts the last 2177 amino acids of the protein. However, premature stop codons are typically deleterious in nature and the impacted region is critical for protein function (Ambry internal data). This variant is considered to be rare based on population cohorts in the Genome Aggregation Database (gnomAD). Based on the supporting evidence, this alteration is interpreted as a disease-causing mutation.

PreventionGenetics, part of Exact Sciences
Classification: Pathogenic for APC-related condition. Last evaluated: 2025-01-16. Review status: criteria provided, single submitter. Criteria: ACMG Guidelines, 2015. Collection method: clinical testing. Allele origin: germline.
Comment: The APC c.1999C>T variant is predicted to result in premature protein termination (p.Gln667*). This variant has been reported in multiple individuals with familial adenomatous polyposis (Table S1, Lagarde et al. 2010. PubMed ID: 20685668; Chen et al. 2011. PubMed ID: 22164339; Table S1, Rashid et al. 2016. PubMed ID: 26414517). This variant has not been reported in a large population database (gnomAD), indicating it is rare. This variant has been classified as pathogenic by other institutions in ClinVar. Nonsense variants in APC are expected to be pathogenic. This variant is interpreted as pathogenic.

Labcorp Genetics (formerly Invitae), Labcorp
Classification: Pathogenic for Familial adenomatous polyposis 1. Last evaluated: 2024-09-10. Review status: criteria provided, single submitter. Criteria: Invitae Variant Classification Sherloc (09022015). Collection method: clinical testing. Allele origin: germline.
Comment: This sequence change creates a premature translational stop signal (p.Gln667*) in the APC gene. While this is not anticipated to result in nonsense mediated decay, it is expected to disrupt the last 2177 amino acid(s) of the APC protein. This variant is not present in population databases (gnomAD no frequency). This premature translational stop signal has been observed in individual(s) with familial adenomatous polyposis (FAP) (PMID: 20685668, 22164339, 26414517). It has also been observed to segregate with disease in related individuals. ClinVar contains an entry for this variant (Variation ID: 233010). This variant is expected to disrupt the EB1 and HDLG binding sites, which mediate interactions with the cytoskeleton (PMID: 15311282, 17293347). While functional studies have not been performed to directly test the effect on APC protein function, this suggests that disruption of the C-terminal portion of the protein is functionally important. A different truncation (p.Tyr2645Lysfs*14) that lies downstream of this variant has been determined to be pathogenic (PMID: 9824584, 1316610, 27081525, 8381579, 22135120, internal data). This suggests that deletion of this region of the APC protein is causative of disease. For these reasons, this variant has been classified as Pathogenic.

Myriad Genetics, Inc.
Classification: Pathogenic for Familial adenomatous polyposis 1. Last evaluated: 2023-05-03. Review status: criteria provided, single submitter. Criteria: Myriad Autosomal Dominant, Autosomal Recessive and X-Linked Classification Criteria (2023). Collection method: clinical testing. Allele origin: unknown.
Comment: This variant is considered pathogenic. This variant creates a termination codon and is predicted to result in premature protein truncation.

Literature cited by the submitters: PubMed 20685668 (cited by Labcorp Genetics (formerly Invitae), Labcorp); PubMed 22164339 (cited by Labcorp Genetics (formerly Invitae), Labcorp); PubMed 26414517 (cited by Labcorp Genetics (formerly Invitae), Labcorp); PubMed 15311282 (cited by Labcorp Genetics (formerly Invitae), Labcorp); PubMed 17293347 (cited by Labcorp Genetics (formerly Invitae), Labcorp); PubMed 9824584 (cited by Labcorp Genetics (formerly Invitae), Labcorp); PubMed 1316610 (cited by Labcorp Genetics (formerly Invitae), Labcorp); PubMed 27081525 (cited by Labcorp Genetics (formerly Invitae), Labcorp); PubMed 8381579 (cited by Labcorp Genetics (formerly Invitae), Labcorp); PubMed 22135120 (cited by Labcorp Genetics (formerly Invitae), Labcorp).

NM_000038.6(APC):c.1999C>T (p.Gln667Ter)

Gene: APC (APC regulator of Wnt signaling pathway; plus strand). Cytogenetic location: 5q22.2.
Variant type: single nucleotide variant.
Coding change: c.1999C>T on transcript NM_000038.6 (MANE Select); coding-DNA position 1999, C replaced by T.
Protein change: p.Gln667Ter; replaces glutamine 667 with a stop codon.
Molecular consequence: nonsense.
Genome position (GRCh38, 1-based): chr5:112,837,593, C>T. VCF-style: chr5-112837593-C-T. GRCh37 (hg19) VCF-style: chr5-112173290-C-T.
Other names: c.1999C>T, p.Gln667Ter (NM_001127510.3, NM_001354895.2); c.1945C>T, p.Gln649Ter (NM_001127511.3); c.2053C>T, p.Gln685Ter (NM_001354896.2); c.2029C>T, p.Gln677Ter (NM_001354897.2); c.1924C>T, p.Gln642Ter (NM_001354898.2); c.1915C>T, p.Gln639Ter (NM_001354899.2); c.1876C>T, p.Gln626Ter (NM_001354900.2); c.1822C>T, p.Gln608Ter (NM_001354901.2); and 5 more; short protein forms Q649*, Q667*, Q384*, Q541*, Q566*, Q576*, Q626*, Q642*.
Identifiers: ClinVar variation 233010 (VCV000233010.20), dbSNP rs876660130, ClinGen allele CA10578333.
Genomic context (GRCh38, chr5:112,837,593, plus strand): 5'-ATCTCTTGATTTTATTTCAGGCAAATCCTAAGAGAGAACAACTGTCTACAAACTTTATTA[C>T]AACACTTAAAATCTCATAGTTTGACAATAGTCAGTAATGCATGTGGAACTTTGTGGAATC-3'